The following is an entry in ClinVar:

NM_033100.4(CDHR1):c.2041-15G>A

Gene: CDHR1 (cadherin related family member 1; plus strand). Cytogenetic location: 10q23.1.
Variant type: single nucleotide variant.
Coding change: c.2041-15G>A on transcript NM_033100.4 (MANE Select); 15 bases into the intron before coding-DNA position 2041, G replaced by A.
Molecular consequence: intron variant.
Genome position (GRCh38, 1-based): chr10:84,214,067, G>A. VCF-style: chr10-84214067-G-A. GRCh37 (hg19) VCF-style: chr10-85973823-G-A.
Other names: c.2040+719G>A (NM_001171971.3).
Identifiers: ClinVar variation 301254 (VCV000301254.37), dbSNP rs61867367, ClinGen allele CA5580129.

ClinVar aggregate classification (germline): Benign. Review status: criteria provided, multiple submitters, no conflicts (2 of 4 stars). 2 submissions from 2 submitters: Benign (2). Last evaluated 2026-08-01.

Allele frequency attached by ClinVar (database versions not stated): 1000 Genomes Project 30x 0.00328; 1000 Genomes Project 0.00359; TOPMed 0.00738; gnomAD 0.00804 and 0.00830; ESP Exome Variant Server 0.00846; gnomAD exomes 0.00887 and 0.01082; ExAC 0.00979.
gnomAD v4.1: 16,886 of 1,614,104 alleles (1%); highest among the groups gnomAD compares: Non-Finnish European, 1.3%; 116 homozygotes.

Submissions (2):

CeGaT Center for Human Genetics Tuebingen
Classification: Benign. Last evaluated: 2026-08-01. Review status: criteria provided, single submitter. Criteria: CeGaT Center For Human Genetics Tuebingen Variant Classification Criteria Version 2. Collection method: clinical testing. Allele origin: germline. Affected: yes. Observed: 5 variant alleles.
Comment: CDHR1: BS1, BS2

Labcorp Genetics (formerly Invitae), Labcorp
Classification: Benign. Last evaluated: 2026-01-27. Review status: criteria provided, single submitter. Criteria: Invitae Variant Classification Sherloc (09022015). Collection method: clinical testing. Allele origin: germline.